The following is an entry in ClinVar:

NM_005045.4(RELN):c.1846C>T (p.Pro616Ser)

Gene: RELN (reelin; minus strand). Cytogenetic location: 7q22.1.
Variant type: single nucleotide variant.
Coding change: c.1846C>T on transcript NM_005045.4 (MANE Select); coding-DNA position 1846, C replaced by T.
Protein change: p.Pro616Ser; replaces proline 616 with serine.
Molecular consequence: missense variant.
Genome position (GRCh38, 1-based): chr7:103,651,707, G>A on the plus strand (C>T on the coding strand, the complement: RELN is on the minus strand). VCF-style: chr7-103651707-G-A. GRCh37 (hg19) VCF-style: chr7-103292154-G-A.
Other names: c.1846C>T, p.Pro616Ser (NM_173054.3); short protein forms P616S.
Identifiers: ClinVar variation 1052013 (VCV001052013.12), dbSNP rs1460850066, ClinGen allele CA368764301.

ClinVar aggregate classification (germline): Uncertain significance. Review status: criteria provided, multiple submitters, no conflicts (2 of 4 stars). 2 submissions from 2 submitters: Uncertain significance (2). Last evaluated 2022-06-22.

Conditions:
Norman-Roberts syndrome (LIS2). Also called: Lissencephaly 2 (Norman-Roberts type). Identifiers: Orphanet 89844, MedGen C0796089, MONDO:0009760, OMIM 257320.
Familial temporal lobe epilepsy 7. Identifiers: Orphanet 101046, MedGen C4225327, MONDO:0014639, OMIM 616436.

Allele frequency attached by ClinVar (database versions not stated): gnomAD exomes below 0.00001; gnomAD 0.00001.
gnomAD v4.1: 5 of 1,611,602 alleles (0.00031%); highest among the groups gnomAD compares: African/African-American, 0.0067%; no homozygotes.

Submissions (2):

GeneDx
Classification: Uncertain significance. Last evaluated: 2022-06-22. Review status: criteria provided, single submitter. Criteria: GeneDx Variant Classification Process June 2021. Collection method: clinical testing. Allele origin: germline. Affected: yes.
Comment: Not observed at significant frequency in large population cohorts (gnomAD); In silico analysis supports that this missense variant does not alter protein structure/function; Has not been previously published as pathogenic or benign to our knowledge

Labcorp Genetics (formerly Invitae), Labcorp
Classification: Uncertain significance for Familial temporal lobe epilepsy 7; Norman-Roberts syndrome. Last evaluated: 2020-07-02. Review status: criteria provided, single submitter. Criteria: Invitae Variant Classification Sherloc (09022015). Collection method: clinical testing. Allele origin: germline.
Comment: This variant has not been reported in the literature in individuals with RELN-related conditions. In summary, the available evidence is currently insufficient to determine the role of this variant in disease. Therefore, it has been classified as a Variant of Uncertain Significance. Algorithms developed to predict the effect of missense changes on protein structure and function are either unavailable or do not agree on the potential impact of this missense change (SIFT: "Deleterious"; PolyPhen-2: "Benign"; Align-GVGD: "Class C0"). This variant is not present in population databases (ExAC no frequency). This sequence change replaces proline with serine at codon 616 of the RELN protein (p.Pro616Ser). The proline residue is highly conserved and there is a moderate physicochemical difference between proline and serine.